The following is an entry in ClinVar:

NM_004370.6(COL12A1):c.4678C>T (p.Arg1560Trp)

Gene: COL12A1 (collagen type XII alpha 1 chain; minus strand). Cytogenetic location: 6q13.
Variant type: single nucleotide variant.
Coding change: c.4678C>T on transcript NM_004370.6 (MANE Select); coding-DNA position 4678, C replaced by T.
Protein change: p.Arg1560Trp; replaces arginine 1560 with tryptophan.
Molecular consequence: missense variant.
Genome position (GRCh38, 1-based): chr6:75,145,338, G>A on the plus strand (C>T on the coding strand, the complement: COL12A1 is on the minus strand). VCF-style: chr6-75145338-G-A. GRCh37 (hg19) VCF-style: chr6-75855054-G-A.
Other names: c.1186C>T, p.Arg396Trp (NM_080645.3); short protein forms R1560W, R396W.
Identifiers: ClinVar variation 642003 (VCV000642003.34), dbSNP rs370360673, ClinGen allele CA3893385.

ClinVar aggregate classification (germline): Conflicting classifications of pathogenicity. Review status: criteria provided, conflicting classifications (1 of 4 stars). 3 submissions from 3 submitters: Uncertain significance (2); Likely benign (1). Last evaluated 2025-06-29.

Conditions:
Ullrich congenital muscular dystrophy 2 (UCMD2). Identifiers: Orphanet 75840, MedGen C4225314, MONDO:0014654, OMIM 616470.
Bethlem myopathy 2 (BTHLM2). Identifiers: Orphanet 536516, Orphanet 610, MedGen C4225313, MONDO:0034022, OMIM 616471.

Allele frequency attached by ClinVar (database versions not stated): ExAC 0.00002; gnomAD exomes 0.00002; TOPMed 0.00002; gnomAD 0.00003 and 0.00004; ESP Exome Variant Server 0.00008.
gnomAD v4.1: 29 of 1,608,986 alleles (0.0018%); highest among the groups gnomAD compares: Middle Eastern, 0.066%; no homozygotes.

Submissions (3):

Labcorp Genetics (formerly Invitae), Labcorp
Classification: Likely benign for Bethlem myopathy 2; Ullrich congenital muscular dystrophy 2. Last evaluated: 2025-06-29. Review status: criteria provided, single submitter. Criteria: Invitae Variant Classification Sherloc (09022015). Collection method: clinical testing. Allele origin: germline.

GeneDx
Classification: Uncertain significance. Last evaluated: 2023-06-27. Review status: criteria provided, single submitter. Criteria: GeneDx Variant Classification Process June 2021. Collection method: clinical testing. Allele origin: germline.
Comment: In silico analysis supports that this missense variant has a deleterious effect on protein structure/function; Has not been previously published as pathogenic or benign to our knowledge

CeGaT Center for Human Genetics Tuebingen
Classification: Uncertain significance. Last evaluated: 2023-03-01. Review status: criteria provided, single submitter. Criteria: CeGaT Center For Human Genetics Tuebingen Variant Classification Criteria Version 2. Collection method: clinical testing. Allele origin: germline. Affected: yes. Observed: 1 variant allele.
Comment: COL12A1: PM2, BP4